The following is an entry in ClinVar:

NM_021830.5(TWNK):c.19A>G (p.Ser7Gly)

Gene: TWNK (twinkle mtDNA helicase; plus strand). Cytogenetic location: 10q24.31.
Variant type: single nucleotide variant.
Coding change: c.19A>G on transcript NM_021830.5 (MANE Select); coding-DNA position 19, A replaced by G.
Protein change: p.Ser7Gly; replaces serine 7 with glycine.
Molecular consequence: missense variant. On other transcripts: non-coding transcript variant (4), intron variant (3).
Genome position (GRCh38, 1-based): chr10:100,988,229, A>G. VCF-style: chr10-100988229-A-G. GRCh37 (hg19) VCF-style: chr10-102747986-A-G.
Other names: c.19A>G, p.Ser7Gly (NM_001163812.2); c.-120+616A>G (NM_001163814.2, NM_001163813.2); c.-58+616A>G (NM_001368275.1); short protein forms S7G.
Identifiers: ClinVar variation 3253192 (VCV003253192.5), dbSNP rs2493625270.
Genomic context (GRCh38, chr10:100,988,229, plus strand): 5'-CCTAAGGCATTTCAAGTAGTGACTTCCCACATTTGGCTAGGAATGTGGGTCCTCCTCCGA[A>G]GTGGGTACCCCCTCCGTATCTTGTTACCCCTGCGTGGGGAGTGGATGGGTCGGAGGGGCC-3'
Protein context (NP_068602.2, residues 1-17): MWVLLR[Ser7Gly]GYPLRILLPL

ClinVar aggregate classification (germline): Uncertain significance. Review status: criteria provided, multiple submitters, no conflicts (2 of 4 stars). 3 submissions from 3 submitters: Uncertain significance (3). Last evaluated 2025-01-31.

Conditions:
TWNK-related disorder. Also called: TWNK-related condition.

Allele frequency attached by ClinVar (database versions not stated): gnomAD exomes below 0.00001.

Submissions (3):

GeneDx
Classification: Uncertain significance. Last evaluated: 2025-01-31. Review status: criteria provided, single submitter. Criteria: GeneDx Variant Classification Process June 2021. Collection method: clinical testing. Allele origin: germline.
Comment: Has not been previously published as pathogenic or benign to our knowledge; Not observed at significant frequency in large population cohorts (gnomAD); In silico analysis indicates that this missense variant does not alter protein structure/function

PreventionGenetics, part of Exact Sciences
Classification: Uncertain significance for TWNK-related condition. Last evaluated: 2025-01-23. Review status: criteria provided, single submitter. Criteria: ACMG Guidelines, 2015. Collection method: clinical testing. Allele origin: germline.
Comment: The TWNK c.19A>G variant is predicted to result in the amino acid substitution p.Ser7Gly. To our knowledge, this variant has not been reported in the literature or in a large population database (gnomAD), indicating this variant is rare. At this time, the clinical significance of this variant is uncertain due to the absence of conclusive functional and genetic evidence.

Labcorp Genetics (formerly Invitae), Labcorp
Classification: Uncertain significance. Last evaluated: 2024-12-20. Review status: criteria provided, single submitter. Criteria: Invitae Variant Classification Sherloc (09022015). Collection method: clinical testing. Allele origin: germline.
Comment: This sequence change replaces serine, which is neutral and polar, with glycine, which is neutral and non-polar, at codon 7 of the TWNK protein (p.Ser7Gly). This variant is not present in population databases (gnomAD no frequency). This variant has not been reported in the literature in individuals affected with TWNK-related conditions. ClinVar contains an entry for this variant (Variation ID: 3253192). Invitae Evidence Modeling of protein sequence and biophysical properties (such as structural, functional, and spatial information, amino acid conservation, physicochemical variation, residue mobility, and thermodynamic stability) indicates that this missense variant is not expected to disrupt TWNK protein function with a negative predictive value of 95%. In summary, the available evidence is currently insufficient to determine the role of this variant in disease. Therefore, it has been classified as a Variant of Uncertain Significance.